The following is an entry in ClinVar:

ClinVar aggregate classification (germline): Benign. Review status: criteria provided, multiple submitters, no conflicts (2 of 4 stars). 2 submissions from 2 submitters: Benign (2). Last evaluated 2018-01-12.

Conditions:
Mitochondrial complex I deficiency, nuclear type 1. Also called: NADH-COENZYME Q REDUCTASE DEFICIENCY; MITOCHONDRIAL NADH DEHYDROGENASE COMPONENT OF COMPLEX I, DEFICIENCY OF. Identifiers: MedGen C6022305, MONDO:0100224, OMIM 252010.

Allele frequency attached by ClinVar (database versions not stated): 1000 Genomes Project 0.22764; TOPMed 0.23405; 1000 Genomes Project 30x 0.24047.

Submissions (2):

Illumina Laboratory Services, Illumina
Classification: Benign for Mitochondrial complex I deficiency, nuclear type 1. Last evaluated: 2018-01-12. Review status: criteria provided, single submitter. Criteria: ICSL Variant Classification Criteria 13 December 2019. Collection method: clinical testing. Allele origin: germline.
Comment: This variant was observed in the ICSL laboratory as part of a predisposition screen in an ostensibly healthy population. It had not been previously curated by ICSL or reported in the Human Gene Mutation Database (HGMD: prior to June 1st, 2018), and was therefore a candidate for classification through an automated scoring system. Utilizing variant allele frequency, disease prevalence and penetrance estimates, and inheritance mode, an automated score was calculated to assess if this variant is too frequent to cause the disease. Based on the score and internal cut-off values, a variant classified as benign is not then subjected to further curation. The score for this variant resulted in a classification of benign for this disease.

Breakthrough Genomics
Classification: Benign. Review status: criteria provided, single submitter. Criteria: ACMG Guidelines, 2015. Collection method: not provided. Allele origin: germline. Inheritance: Autosomal recessive inheritance. Affected: yes.

NM_025152.3(NUBPL):c.*836C>G

Gene: NUBPL (NUBP iron-sulfur cluster assembly factor, mitochondrial; plus strand). Cytogenetic location: 14q12.
Variant type: single nucleotide variant.
Coding change: c.*836C>G on transcript NM_025152.3 (MANE Select); 836 bases downstream of the stop codon, C replaced by G.
Molecular consequence: 3 prime UTR variant. On other transcripts: non-coding transcript variant (1).
Genome position (GRCh38, 1-based): chr14:31,860,016, C>G. VCF-style: chr14-31860016-C-G. GRCh37 (hg19) VCF-style: chr14-32329222-C-G.
Other names: c.*836C>G (NM_001201573.2, NM_001201574.2).
Identifiers: ClinVar variation 313044 (VCV000313044.6), dbSNP rs10147479, ClinGen allele CA10645203.